The following is an entry in ClinVar:

ClinVar aggregate classification (germline): Pathogenic (1 of 4 stars; one submission).

Conditions:
Cardiomyopathy (CMYO). Also called: Cardiomyopathies. Identifiers: Orphanet 167848, MedGen C0878544, MONDO:0004994, HP:0001638. Inheritance: Various modes of inheritance.

Submission:

Laboratory for Molecular Medicine, Mass General Brigham Personalized Medicine
Classification: Pathogenic for Cardiomyopathy. Last evaluated: 2017-09-08. Review status: criteria provided, single submitter. Criteria: ACMG Guidelines, 2015. Collection method: clinical testing. Allele origin: germline.
Comment: The p.Ala27fs variant in MYBPC3 has not been previously reported in individuals with cardiomyopathy and was absent from large population studies. This variant is predicted to cause a frameshift, which alters the protein’s amino acid sequence beginning at position 27 and leads to a premature termination codon 22 amino acids downstream. This alteration is predicted to lead to a truncated or absent protein. Nonsense and other MYBPC3 variants resulting in a heterozygous loss of function are strongly associated with HCM. In summary, this variant meets criteria to be classified as pathogenic for HCM in an autosomal dominant manner based upon the predicted impact on the protein and absence from control databases.

NM_000256.3(MYBPC3):c.77dup (p.Ala27fs)

Gene: MYBPC3 (myosin binding protein C3; minus strand). Cytogenetic location: 11p11.2.
Variant type: Duplication.
Coding change: c.77dup on transcript NM_000256.3 (MANE Select); coding-DNA position 77, one base duplicated (C; older notation c.77dupC).
Protein change: p.Ala27fs; shifts the reading frame from alanine 27.
Molecular consequence: frameshift variant.
Genome position (GRCh38, 1-based): chr11:47,351,454, G duplicated on the plus strand (C on the coding strand, the reverse complement: MYBPC3 is on the minus strand); the first of 3 consecutive G bases (chr11:47,351,454-47,351,456); duplicating any one gives the same sequence. VCF-style (leftmost placement, unchanged base first): chr11-47351453-A-AG. GRCh37 (hg19) VCF-style: chr11-47373004-A-AG.
Other names: short protein forms A27fs.
Identifiers: ClinVar variation 3076035 (VCV003076035.1), dbSNP rs2495786601, ClinGen allele CA913188358.